The following is an entry in ClinVar:

NM_052947.4(ALPK2):c.4469C>A (p.Ala1490Asp)

Genes: ALPK2 (alpha kinase 2; minus strand), LOC126862764 (BRD4-independent group 4 enhancer GRCh37_chr18:56202574-56203773; plus strand). Cytogenetic location: 18q21.31.
Variant type: single nucleotide variant.
Coding change: c.4469C>A on transcript NM_052947.4 (MANE Select); coding-DNA position 4469, C replaced by A.
Protein change: p.Ala1490Asp; replaces alanine 1490 with aspartic acid.
Molecular consequence: missense variant.
Genome position (GRCh38, 1-based): chr18:58,535,718, G>T on the plus strand (C>A on the coding strand, the complement: ALPK2 is on the minus strand). VCF-style: chr18-58535718-G-T. GRCh37 (hg19) VCF-style: chr18-56202950-G-T.
Other names: short protein forms A1490D.
Identifiers: ClinVar variation 3532166 (VCV003532166.1).

ClinVar aggregate classification (germline): Uncertain significance (1 of 4 stars; one submission).

gnomAD v4.1: 1 of 1,614,240 alleles (0.000062%); highest among the groups gnomAD compares: Non-Finnish European, 0.000085%; no homozygotes.

Submission:

Ambry Genetics
Classification: Uncertain significance. Last evaluated: 2024-11-17. Review status: criteria provided, single submitter. Criteria: Ambry Variant Classification Scheme 2023. Collection method: clinical testing. Allele origin: germline.
Comment: The p.A1490D variant (also known as c.4469C>A), located in coding exon 4 of the ALPK2 gene, results from a C to A substitution at nucleotide position 4469. The alanine at codon 1490 is replaced by aspartic acid, an amino acid with dissimilar properties. This amino acid position is conserved. In addition, this alteration is predicted to be tolerated by in silico analysis. Based on the available evidence, the clinical significance of this variant remains unclear.